The following is an entry in ClinVar:

ClinVar aggregate classification (germline): Uncertain significance (1 of 4 stars; one submission).

Conditions:
Juvenile polyposis syndrome (JPS). Identifiers: Orphanet 2929, MedGen C0345893, MONDO:0017380, OMIM 174900.

Submission:

Labcorp Genetics (formerly Invitae), Labcorp
Classification: Uncertain significance for Juvenile polyposis syndrome. Last evaluated: 2024-08-12. Review status: criteria provided, single submitter. Criteria: Invitae Variant Classification Sherloc (09022015). Collection method: clinical testing. Allele origin: germline.
Comment: This sequence change replaces glycine, which is neutral and non-polar, with serine, which is neutral and polar, at codon 255 of the BMPR1A protein (p.Gly255Ser). This variant is not present in population databases (gnomAD no frequency). This variant has not been reported in the literature in individuals affected with BMPR1A-related conditions. Advanced modeling of protein sequence and biophysical properties (such as structural, functional, and spatial information, amino acid conservation, physicochemical variation, residue mobility, and thermodynamic stability) has been performed at Invitae for this missense variant, however the output from this modeling did not meet the statistical confidence thresholds required to predict the impact of this variant on BMPR1A protein function. In summary, the available evidence is currently insufficient to determine the role of this variant in disease. Therefore, it has been classified as a Variant of Uncertain Significance.

NM_004329.3(BMPR1A):c.763G>A (p.Gly255Ser)

Gene: BMPR1A (bone morphogenetic protein receptor type 1A; plus strand). Cytogenetic location: 10q23.2.
Variant type: single nucleotide variant.
Coding change: c.763G>A on transcript NM_004329.3 (MANE Select); coding-DNA position 763, G replaced by A.
Protein change: p.Gly255Ser; replaces glycine 255 with serine.
Molecular consequence: missense variant. On other transcripts: non-coding transcript variant (3).
Genome position (GRCh38, 1-based): chr10:86,917,221, G>A. VCF-style: chr10-86917221-G-A. GRCh37 (hg19) VCF-style: chr10-88676978-G-A.
Other names: c.763G>A, p.Gly255Ser (NM_001406577.1, NM_001406578.1, NM_001406579.1 and 19 more transcripts); c.757G>A, p.Gly253Ser (NM_001406583.1); c.679G>A, p.Gly227Ser (NM_001406584.1, NM_001406585.1, NM_001406586.1 and 2 more transcripts); c.838G>A, p.Gly280Ser (NM_001406559.1); c.811G>A, p.Gly271Ser (NM_001406560.1); c.421G>A, p.Gly141Ser (NM_001406589.1); short protein forms G255S, G253S, G280S, G141S, G271S, G227S.
Identifiers: ClinVar variation 3671528 (VCV003671528.2).